The following is an entry in ClinVar:

ClinVar aggregate classification (germline): Uncertain significance. Review status: criteria provided, multiple submitters, no conflicts (2 of 4 stars). 5 submissions from 5 submitters: Uncertain significance (5). Last evaluated 2026-02-03.

Conditions:
TTN-related disorder. Also called: TTN-related condition; TTN-related disease; TTN-related disorders.

Allele frequency attached by ClinVar (database versions not stated): gnomAD 0.00001.
gnomAD v4.1: 37 of 1,586,896 alleles (0.0023%); highest among the groups gnomAD compares: Non-Finnish European, 0.0031%; no homozygotes.

Submissions (5):

PreventionGenetics, part of Exact Sciences
Classification: Uncertain significance for TTN-related condition. Last evaluated: 2026-02-03. Review status: criteria provided, single submitter. Criteria: ACMG Guidelines, 2015. Collection method: clinical testing. Allele origin: germline.
Comment: The TTN c.60254T>C variant is predicted to result in the amino acid substitution p.Ile20085Thr. To our knowledge, this variant has not been reported in the literature. This variant is reported in 0.00095% of alleles in individuals of European (Non-Finnish) descent in gnomAD. At this time, the clinical significance of this variant is uncertain due to the absence of conclusive functional and genetic evidence.

Women's Health and Genetics/Laboratory Corporation of America, LabCorp
Classification: Uncertain significance. Last evaluated: 2025-10-10. Review status: criteria provided, single submitter. Criteria: LabCorp Variant Classification Summary - May 2015. Collection method: clinical testing. Allele origin: germline.

Athena Diagnostics
Classification: Uncertain significance. Last evaluated: 2025-10-08. Review status: criteria provided, single submitter. Criteria: Athena Diagnostics Criteria. Collection method: clinical testing. Allele origin: unknown.
Comment: Available data are insufficient to determine the clinical significance of the variant at this time. The frequency of this variant in the general population is uninformative in assessment of its pathogenicity. Polyphen and MutationTaster predict this amino acid change may be benign.

GeneDx
Classification: Uncertain significance. Last evaluated: 2025-04-16. Review status: criteria provided, single submitter. Criteria: GeneDx Variant Classification Process June 2021. Collection method: clinical testing. Allele origin: germline. Affected: yes.
Comment: Not observed at significant frequency in large population cohorts (gnomAD); Missense variant in a gene in which most reported pathogenic variants are truncating/loss of function; Has not been previously published as pathogenic or benign to our knowledge

Revvity Omics, Revvity
Classification: Uncertain significance. Last evaluated: 2019-04-03. Review status: criteria provided, single submitter. Criteria: ACMG Guidelines, 2015. Collection method: clinical testing. Allele origin: germline.

Literature cited by the submitters: PubMed 39413162 (cited by Athena Diagnostics).

NM_001267550.2(TTN):c.60254T>C (p.Ile20085Thr)

Genes: TTN (titin; minus strand), TTN-AS1 (TTN antisense RNA 1; plus strand). Cytogenetic location: 2q31.2.
Variant type: single nucleotide variant.
Coding change: c.60254T>C on transcript NM_001267550.2 (MANE Select); coding-DNA position 60254, T replaced by C.
Protein change: p.Ile20085Thr; replaces isoleucine 20085 with threonine.
Molecular consequence: missense variant.
Genome position (GRCh38, 1-based): chr2:178,591,471, A>G on the plus strand (T>C on the coding strand, the complement: TTN is on the minus strand). VCF-style: chr2-178591471-A-G. GRCh37 (hg19) VCF-style: chr2-179456198-A-G.
Other names: c.55331T>C, p.Ile18444Thr (NM_001256850.1); c.33059T>C, p.Ile11020Thr (NM_003319.4); c.52550T>C, p.Ile17517Thr (NM_133378.4); c.33434T>C, p.Ile11145Thr (NM_133432.3); c.33635T>C, p.Ile11212Thr (NM_133437.4); short protein forms I11020T, I11145T, I11212T, I17517T, I18444T, I20085T.
Identifiers: ClinVar variation 2438085 (VCV002438085.7), dbSNP rs763870161, ClinGen allele CA60969939.